The following is an entry in ClinVar:

ClinVar aggregate classification (germline): Likely benign. Review status: criteria provided, multiple submitters, no conflicts (2 of 4 stars). 5 submissions from 5 submitters: Likely benign (4). 1 of the submissions does not count toward it. Last evaluated 2025-02-11.

Allele frequency attached by ClinVar (database versions not stated): gnomAD exomes 0.00076 and 0.00145; ExAC 0.00164; ESP Exome Variant Server 0.00226; gnomAD 0.00259 and 0.00263; TOPMed 0.00297; 1000 Genomes Project 0.00379; 1000 Genomes Project 30x 0.00390.
gnomAD v4.1: 1,541 of 1,589,592 alleles (0.097%); highest among the groups gnomAD compares: African/African-American, 0.76%; 6 homozygotes.

Submissions (5):

Mayo Clinic Laboratories, Mayo Clinic
Classification: Likely benign. Last evaluated: 2025-02-11. Review status: criteria provided, single submitter. Criteria: ACMG Guidelines, 2015. Collection method: clinical testing. Allele origin: germline. Observed: 2 variant alleles.
Comment: BS1, BP4, BP7

GeneDx
Classification: Likely benign. Last evaluated: 2020-06-02. Review status: criteria provided, single submitter. Criteria: GeneDx Variant Classification Process June 2021. Collection method: clinical testing. Allele origin: germline. Affected: yes.

Breakthrough Genomics
Classification: Likely benign. Review status: criteria provided, single submitter. Criteria: ACMG Guidelines, 2015. Collection method: not provided. Allele origin: germline. Inheritance: Autosomal recessive inheritance. Affected: yes.

PreventionGenetics, part of Exact Sciences
Classification: Likely benign. Review status: criteria provided, single submitter. Criteria: ACMG Guidelines, 2015. Collection method: clinical testing. Allele origin: germline.

Genetic Services Laboratory, University of Chicago
Classification: Likely benign for AllHighlyPenetrant. Review status: no assertion criteria provided. Collection method: clinical testing. Allele origin: germline. Inheritance: Autosomal recessive inheritance. Observed: 2 variant alleles. Not counted in ClinVar's aggregate classification.
Comment: Likely benign based on allele frequency in 1000 Genomes Project or ESP global frequency and its presence in a patient with a rare or unrelated disease phenotype. NOT Sanger confirmed.

NM_001378615.1(CC2D2A):c.3288+25T>C

Genes: CC2D2A (coiled-coil and C2 domain containing 2A; plus strand), FBXL5 (F-box and leucine rich repeat protein 5; minus strand). Cytogenetic location: 4p15.32.
Variant type: single nucleotide variant.
Coding change: c.3288+25T>C on transcript NM_001378615.1 (MANE Select); 25 bases into the intron after coding-DNA position 3288, T replaced by C.
Molecular consequence: intron variant.
Genome position (GRCh38, 1-based): chr4:15,567,507, T>C. VCF-style: chr4-15567507-T-C. GRCh37 (hg19) VCF-style: chr4-15569130-T-C.
Other names: p.?; c.3288+25T>C (NM_001080522.2); c.3141+25T>C (NM_001378617.1).
Identifiers: ClinVar variation 126238 (VCV000126238.11), dbSNP rs73125629, ClinGen allele CA150869.